The following is an entry in ClinVar:

NM_000051.4(ATM):c.5494G>C (p.Glu1832Gln)

Gene: ATM (ATM serine/threonine kinase; plus strand). Cytogenetic location: 11q22.3.
Variant type: single nucleotide variant.
Coding change: c.5494G>C on transcript NM_000051.4 (MANE Select); coding-DNA position 5494, G replaced by C.
Protein change: p.Glu1832Gln; replaces glutamic acid 1832 with glutamine.
Molecular consequence: missense variant.
Genome position (GRCh38, 1-based): chr11:108,303,027, G>C. VCF-style: chr11-108303027-G-C. GRCh37 (hg19) VCF-style: chr11-108173754-G-C.
Other names: c.5494G>C, p.Glu1832Gln (NM_001351834.2); short protein forms E1832Q.
Identifiers: ClinVar variation 3801351 (VCV003801351.1).
Genomic context (GRCh38, chr11:108,303,027, plus strand): 5'-GCTTTTTTGGACAGTGGAGGCACAAAATGTGAAATTCTTCAATTATTAAAGCCAATGTGT[G>C]AAGTAAGAAGATTAATTAGTCTGATATAATTCCTTGTTTATGACCTGTTTATCTAAAGAG-3'
Protein context (NP_000042.3, residues 1822-1842): EILQLLKPMC[Glu1832Gln]VKTDFCQTVL

ClinVar aggregate classification (germline): Uncertain significance (1 of 4 stars; one submission).

Conditions:
Hereditary cancer-predisposing syndrome. Also called: Neoplastic Syndromes, Hereditary; Hereditary Cancer Syndrome; Tumor predisposition; Hereditary neoplastic syndrome. Identifiers: Orphanet 140162, MedGen C0027672, MeSH D009386, MONDO:0015356.

Submission:

Ambry Genetics
Classification: Uncertain significance for Hereditary cancer-predisposing syndrome. Last evaluated: 2024-12-16. Review status: criteria provided, single submitter. Criteria: Ambry Variant Classification Scheme 2023. Collection method: clinical testing. Allele origin: germline.
Comment: The p.E1832Q variant (also known as c.5494G>C), located in coding exon 35 of the ATM gene, results from a G to C substitution at nucleotide position 5494. The glutamic acid at codon 1832 is replaced by glutamine, an amino acid with highly similar properties. This amino acid position is conserved. In addition, the in silico prediction for this alteration is inconclusive. Based on the available evidence, the clinical significance of this variant remains unclear.